The following is an entry in ClinVar:

ClinVar aggregate classification (germline): Uncertain significance (1 of 4 stars; one submission).

Allele frequency attached by ClinVar (database versions not stated): gnomAD 0.00026; TOPMed 0.00030.
gnomAD v4.1: 37 of 1,613,686 alleles (0.0023%); 3 homozygotes.

Submission:

Labcorp Genetics (formerly Invitae), Labcorp
Classification: Uncertain significance. Last evaluated: 2026-01-25. Review status: criteria provided, single submitter. Criteria: Invitae Variant Classification Sherloc (09022015). Collection method: clinical testing. Allele origin: germline.
Comment: This sequence change replaces aspartic acid, which is acidic and polar, with glutamic acid, which is acidic and polar, at codon 2073 of the CACNA1D protein (p.Asp2073Glu). This variant is not present in population databases (gnomAD no frequency). This variant has not been reported in the literature in individuals affected with CACNA1D-related conditions. ClinVar contains an entry for this variant (Variation ID: 1361993). An algorithm developed to predict the effect of missense changes on protein structure and function (PolyPhen-2) suggests that this variant is likely to be tolerated. In summary, the available evidence is currently insufficient to determine the role of this variant in disease. Therefore, it has been classified as a Variant of Uncertain Significance.

NM_001128840.3(CACNA1D):c.6159C>G (p.Asp2053Glu)

Gene: CACNA1D (calcium voltage-gated channel subunit alpha1 D; plus strand). Cytogenetic location: 3p21.1.
Variant type: single nucleotide variant.
Coding change: c.6159C>G on transcript NM_001128840.3 (MANE Select); coding-DNA position 6159, C replaced by G.
Protein change: p.Asp2053Glu; replaces aspartic acid 2053 with glutamic acid.
Molecular consequence: missense variant.
Genome position (GRCh38, 1-based): chr3:53,810,265, C>G. VCF-style: chr3-53810265-C-G. GRCh37 (hg19) VCF-style: chr3-53844292-C-G.
Other names: c.6219C>G, p.Asp2073Glu (NM_000720.4); c.6087C>G, p.Asp2029Glu (NM_001128839.3); short protein forms D2029E, D2053E, D2073E.
Identifiers: ClinVar variation 1361993 (VCV001361993.6), dbSNP rs938750291, ClinGen allele CA74869172.